The following is an entry in ClinVar:

NM_015909.4(NBAS):c.3386C>T (p.Ser1129Phe)

Gene: NBAS (NBAS subunit of NRZ tethering complex; minus strand). Cytogenetic location: 2p24.3.
Variant type: single nucleotide variant.
Coding change: c.3386C>T on transcript NM_015909.4 (MANE Select); coding-DNA position 3386, C replaced by T.
Protein change: p.Ser1129Phe; replaces serine 1129 with phenylalanine.
Molecular consequence: missense variant. On other transcripts: non-coding transcript variant (1).
Genome position (GRCh38, 1-based): chr2:15,379,806, G>A on the plus strand (C>T on the coding strand, the complement: NBAS is on the minus strand). VCF-style: chr2-15379806-G-A. GRCh37 (hg19) VCF-style: chr2-15519930-G-A.
Other names: short protein forms S1129F.
Identifiers: ClinVar variation 2139145 (VCV002139145.6), dbSNP rs187511292, ClinGen allele CA1536027.

ClinVar aggregate classification (germline): Conflicting classifications of pathogenicity. Review status: criteria provided, conflicting classifications (1 of 4 stars). 3 submissions from 3 submitters: Likely pathogenic (2); Uncertain significance (1). Last evaluated 2025-11-18.

Conditions:
Infantile liver failure syndrome 2 (ILFS2). Identifiers: MedGen C3809651, MONDO:0014659, OMIM 616483.
Short stature-optic atrophy-Pelger-Huët anomaly syndrome. Also called: Short stature, optic nerve atrophy, and Pelger-Huet anomaly; Short stature-optic atrophy-Pelger-HuC+t anomaly syndrome. Identifiers: Orphanet 391677, MedGen C3541319, MONDO:0013889, OMIM 614800.

Allele frequency attached by ClinVar (database versions not stated): TOPMed 0.00005; gnomAD exomes below 0.00001; 1000 Genomes Project 30x 0.00016; 1000 Genomes Project 0.00020.
gnomAD v4.1: 12 of 1,614,022 alleles (0.00074%); highest among the groups gnomAD compares: Middle Eastern, 0.016%; no homozygotes.

Submissions (3):

Labcorp Genetics (formerly Invitae), Labcorp
Classification: Uncertain significance. Last evaluated: 2025-11-18. Review status: criteria provided, single submitter. Criteria: Invitae Variant Classification Sherloc (09022015). Collection method: clinical testing. Allele origin: germline.
Comment: This sequence change replaces serine, which is neutral and polar, with phenylalanine, which is neutral and non-polar, at codon 1129 of the NBAS protein (p.Ser1129Phe). This variant is present in population databases (rs187511292, gnomAD 0.004%). This missense change has been observed in individual(s) with clinical features of recurrent acute liver failure (PMID: 31761904, 32957979). ClinVar contains an entry for this variant (Variation ID: 2139145). Invitae Evidence Modeling of protein sequence and biophysical properties (such as structural, functional, and spatial information, amino acid conservation, physicochemical variation, residue mobility, and thermodynamic stability) has been performed for this missense variant. However, the output from this modeling did not meet the statistical confidence thresholds required to predict the impact of this variant on NBAS protein function. In summary, the available evidence is currently insufficient to determine the role of this variant in disease. Therefore, it has been classified as a Variant of Uncertain Significance.

First Genomix Gene Laboratory, Genetic Diagnostics Department
Classification: Likely pathogenic for Infantile liver failure syndrome 2; Short stature-optic atrophy-Pelger-Huët anomaly syndrome. Last evaluated: 2025-05-30. Review status: criteria provided, single submitter. Criteria: ACMG Guidelines, 2015. Collection method: clinical testing. Allele origin: germline. Inheritance: Autosomal recessive inheritance. Affected: no. Observed: 1 variant allele.

Fulgent Genetics
Classification: Likely pathogenic for Short stature-optic atrophy-Pelger-Huët anomaly syndrome; Infantile liver failure syndrome 2. Last evaluated: 2024-03-20. Review status: criteria provided, single submitter. Criteria: ACMG Guidelines, 2015. Collection method: clinical testing. Allele origin: germline.

Literature cited by the submitters: PubMed 31761904 (cited by Labcorp Genetics (formerly Invitae), Labcorp); PubMed 32957979 (cited by Labcorp Genetics (formerly Invitae), Labcorp).